The following is an entry in ClinVar:

NM_019844.4(SLCO1B3):c.1588T>C (p.Cys530Arg)

Genes: SLCO1B3 (solute carrier organic anion transporter family member 1B3; plus strand), SLCO1B3-SLCO1B7 (SLCO1B3-SLCO1B7 readthrough; plus strand). Cytogenetic location: 12p12.2.
Variant type: single nucleotide variant.
Coding change: c.1588T>C on transcript NM_019844.4 (MANE Select); coding-DNA position 1588, T replaced by C.
Protein change: p.Cys530Arg; replaces cysteine 530 with arginine.
Molecular consequence: missense variant.
Genome position (GRCh38, 1-based): chr12:20,883,508, T>C. VCF-style: chr12-20883508-T-C. GRCh37 (hg19) VCF-style: chr12-21036442-T-C.
Other names: c.1588T>C, p.Cys530Arg (NM_001371097.1); c.1504T>C, p.Cys502Arg (NM_001349920.2); short protein forms C502R, C530R.
Identifiers: ClinVar variation 4981792 (VCV004981792.1).

ClinVar aggregate classification (germline): Uncertain significance (1 of 4 stars; one submission).

Conditions:
SLCO1B3-related disorder. Also called: SLCO1B3-related condition.

gnomAD v4.1: 59 of 1,605,290 alleles (0.0037%); highest among the groups gnomAD compares: Admixed American, 0.093%; no homozygotes.

Submission:

PreventionGenetics, part of Exact Sciences
Classification: Uncertain significance for SLCO1B3-related condition. Last evaluated: 2025-12-29. Review status: criteria provided, single submitter. Criteria: ACMG Guidelines, 2015. Collection method: clinical testing. Allele origin: germline.
Comment: The SLCO1B3 c.1588T>C variant is predicted to result in the amino acid substitution p.Cys530Arg. To our knowledge, this variant has not been reported in the literature. This variant is reported in 0.12% of alleles in individuals of Latino descent in gnomAD. Although we suspect that this variant may be benign, at this time, the clinical significance of this variant is uncertain due to the absence of conclusive functional and genetic evidence.